The following is an entry in ClinVar:

ClinVar aggregate classification (germline): Likely pathogenic (1 of 4 stars; one submission).

Conditions:
Glycine encephalopathy. Also called: Nonketotic hyperglycinemia; Non-ketotic hyperglycinemia. Identifiers: Orphanet 407, MedGen C0751748, MONDO:0011612, HP:0008288.

gnomAD v4.1: 3 of 1,612,696 alleles (0.00019%); highest among the groups gnomAD compares: Non-Finnish European, 0.00025%; no homozygotes.

Submission:

Natera, Inc.
Classification: Likely pathogenic for Non-ketotic hyperglycinemia. Last evaluated: 2025-02-07. Review status: criteria provided, single submitter. Criteria: Natera Variant Classification Schema (03/2026). Collection method: clinical testing. Allele origin: germline.
Comment: The c.1126A>G variant in GLDC is a missense variant predicted to cause substitution of lysine to glutamic acid at amino acid 376. This variant is rare in the general population with a frequency below the threshold expected for the associated phenotype(s). This variant has been observed in one or more individuals affected with the associated recessive disease, as either homozygous or compound heterozygous with a second variant (PMID: 28244183, 27362913). Computational prediction algorithms indicate this variant is likely to affect gene or protein function. Given the available evidence, this variant is classified as Likely Pathogenic.

Literature cited by the submitters: PubMed 28244183; PubMed 27362913.

NM_000170.3(GLDC):c.1126A>G (p.Lys376Glu)

Gene: GLDC (glycine decarboxylase; minus strand). Cytogenetic location: 9p24.1.
Variant type: single nucleotide variant.
Coding change: c.1126A>G on transcript NM_000170.3 (MANE Select); coding-DNA position 1126, A replaced by G.
Protein change: p.Lys376Glu; replaces lysine 376 with glutamic acid.
Molecular consequence: missense variant.
Genome position (GRCh38, 1-based): chr9:6,602,138, T>C on the plus strand (A>G on the coding strand, the complement: GLDC is on the minus strand). VCF-style: chr9-6602138-T-C. GRCh37 (hg19) VCF-style: chr9-6602138-T-C.
Other names: short protein forms K376E.
Identifiers: ClinVar variation 4817849 (VCV004817849.1).